The following is an entry in ClinVar:

ClinVar aggregate classification (germline): Uncertain significance. Review status: criteria provided, multiple submitters, no conflicts (2 of 4 stars). 2 submissions from 2 submitters: Uncertain significance (2). Last evaluated 2021-12-14.

Conditions:
Vitamin D-dependent rickets type II with alopecia (VDDR2A). Also called: Vitamin D-dependent rickets, type 2A; GENERALIZED RESISTANCE TO 1,25-DIHYDROXYVITAMIN D; HYPOCALCEMIC VITAMIN D-RESISTANT RICKETS; PDDR IIA; PSEUDOVITAMIN D-DEFICIENCY, TYPE IIA; RICKETS, HEREDITARY VITAMIN D-RESISTANT. Identifiers: Orphanet 93160, MedGen C0342646, MONDO:0010186, OMIM 277440.

Submissions (2):

Fulgent Genetics
Classification: Uncertain significance for Vitamin D-dependent rickets type II with alopecia. Last evaluated: 2021-12-14. Review status: criteria provided, single submitter. Criteria: ACMG Guidelines, 2015. Collection method: clinical testing. Allele origin: unknown.

Labcorp Genetics (formerly Invitae), Labcorp
Classification: Uncertain significance. Last evaluated: 2019-07-12. Review status: criteria provided, single submitter. Criteria: Invitae Variant Classification Sherloc (09022015). Collection method: clinical testing. Allele origin: germline.
Comment: In summary, the available evidence is currently insufficient to determine the role of this variant in disease. Therefore, it has been classified as a Variant of Uncertain Significance. Algorithms developed to predict the effect of missense changes on protein structure and function are either unavailable or do not agree on the potential impact of this missense change (SIFT: "Deleterious"; PolyPhen-2: "Probably Damaging"; Align-GVGD: "Class C0"). This sequence change replaces aspartic acid with glycine at codon 29 of the VDR protein (p.Asp29Gly). The aspartic acid residue is highly conserved and there is a moderate physicochemical difference between aspartic acid and glycine. This variant is not present in population databases (ExAC no frequency). This variant has not been reported in the literature in individuals with VDR-related conditions.

NM_000376.3(VDR):c.86A>G (p.Asp29Gly)

Gene: VDR (vitamin D receptor; minus strand). Cytogenetic location: 12q13.11.
Variant type: single nucleotide variant.
Coding change: c.86A>G on transcript NM_000376.3 (MANE Select); coding-DNA position 86, A replaced by G.
Protein change: p.Asp29Gly; replaces aspartic acid 29 with glycine.
Molecular consequence: missense variant.
Genome position (GRCh38, 1-based): chr12:47,879,028, T>C on the plus strand (A>G on the coding strand, the complement: VDR is on the minus strand). VCF-style: chr12-47879028-T-C. GRCh37 (hg19) VCF-style: chr12-48272811-T-C.
Other names: c.86A>G, p.Asp29Gly (NM_001017535.2, NM_001364085.2, NM_001374661.1 and 1 more transcripts); c.236A>G, p.Asp79Gly (NM_001017536.2); short protein forms D29G, D79G.
Identifiers: ClinVar variation 950224 (VCV000950224.10), dbSNP rs1280836121, ClinGen allele CA384514964.